The following is an entry in ClinVar:

ClinVar aggregate classification (germline): Pathogenic (1 of 4 stars; one submission).

Conditions:
Severe myoclonic epilepsy in infancy (DRVT). Also called: Epileptic encephalopathy, early infantile, 6 (Dravet syndrome); SEVERE MYOCLONIC EPILEPSY OF INFANCY; DEVELOPMENTAL AND EPILEPTIC ENCEPHALOPATHY 6A; Severe Myoclonic Epilepsy in Infancy (SMEI); Dravet syndrome. Identifiers: Orphanet 33069, MedGen C0751122, MONDO:0100135, OMIM 607208.

Submission:

Center for Bioinformatics, Peking University
Classification: Pathogenic for Dravet syndrome. Last evaluated: 2014-12-20. Review status: criteria provided, single submitter. Criteria: Xu et al. (Hum Mutat. 2015). Collection method: research. Allele origin: de novo. Affected: yes. Observed: 1 variant allele. Study: University Clinical Cooperation “985 Project” PKU-2014-1-1.
Comment: Dravet syndrome (DS) probands were recruited from the outpatient and inpatient child neurology units of Peking University First Hospital from 2005 till present. The study was approved by the Ethics Committee of Peking University First Hospital and the Institutional Review Board at Peking University. Participants or their parents provided written informed consent before enrollment. We collected a total of 267 mutations from 255 families with probands diagnosed with DS in China. All probands fulfilled the clinical diagnostic criteria.

NM_001165963.4(SCN1A):c.185del (p.Pro62fs)

Gene: SCN1A (sodium voltage-gated channel alpha subunit 1; minus strand). Cytogenetic location: 2q24.3.
Variant type: Deletion.
Coding change: c.185del on transcript NM_001165963.4 (MANE Select); coding-DNA position 185, one base deleted (C; older notation c.185delC).
Protein change: p.Pro62fs; shifts the reading frame from proline 62.
Molecular consequence: frameshift variant. On other transcripts: 5 prime UTR variant (1), non-coding transcript variant (1).
Genome position (GRCh38, 1-based): chr2:166,073,437, G deleted on the plus strand (C on the coding strand, the reverse complement: SCN1A is on the minus strand); the first of 2 consecutive G bases (chr2:166,073,437-166,073,438); deleting either gives the same sequence. VCF-style (leftmost placement, unchanged base first): chr2-166073436-TG-T. GRCh37 (hg19) VCF-style: chr2-166929946-TG-T.
Other names: c.185del, p.Pro62fs (NM_001165964.3, NM_001202435.3, NM_001353948.2 and 10 more transcripts); c.-2241del (NM_001353961.2); short protein forms P62fs.
Identifiers: ClinVar variation 189954 (VCV000189954.1), dbSNP rs35595680, ClinGen allele CA303397.